The following is an entry in ClinVar:

ClinVar aggregate classification (germline): Uncertain significance (1 of 4 stars; one submission).

Conditions:
Sifrim-Hitz-Weiss syndrome (SIHIWES). Also called: SIFRIM-HITZ-WEISS MULTIPLE CONGENITAL ANOMALIES-MENTAL RETARDATION SYNDROME; CHD4 Neurodevelopmental Disorder. Identifiers: Orphanet 653712, MedGen C4310688, MONDO:0014946, OMIM 617159.

Submission:

MVZ Medizinische Genetik Mainz
Classification: Uncertain significance for Sifrim-Hitz-Weiss syndrome. Last evaluated: 2023-09-12. Review status: criteria provided, single submitter. Criteria: UK Practice Guidelines For Variant Classification V4 01 2020. Collection method: clinical testing. Allele origin: germline. Inheritance: Autosomal dominant inheritance. Affected: yes. Observed: 1 variant allele.
Comment: PS2_MOD,PM2_SUP,PP3

NM_001273.5(CHD4):c.4370+5G>A

Genes: CHD4 (chromodomain helicase DNA binding protein 4; minus strand), CHD4-AS1 (CHD4 antisense RNA 1; plus strand). Cytogenetic location: 12p13.31.
Variant type: single nucleotide variant.
Coding change: c.4370+5G>A on transcript NM_001273.5 (MANE Select); 5 bases into the intron after coding-DNA position 4370, G replaced by A.
Molecular consequence: intron variant.
Genome position (GRCh38, 1-based): chr12:6,582,610, C>T on the plus strand (G>A on the coding strand, the complement: CHD4 is on the minus strand). VCF-style: chr12-6582610-C-T. GRCh37 (hg19) VCF-style: chr12-6691776-C-T.
Other names: c.4331+5G>A (NM_001363606.2); c.4349+5G>A (NM_001297553.2).
Identifiers: ClinVar variation 3061921 (VCV003061921.1), dbSNP rs2540382110, ClinGen allele CA2740092322.